The following is an entry in ClinVar:

Single allele

Gene: SPAST (spastin; plus strand). Cytogenetic location: 2p22.3.
Variant type: Deletion.
Identifiers: ClinVar variation 1807273 (VCV001807273.1).

ClinVar aggregate classification (germline): Pathogenic (1 of 4 stars; one submission).

Submission:

Athena Diagnostics
Classification: Pathogenic. Last evaluated: 2021-11-09. Review status: criteria provided, single submitter. Criteria: Athena Diagnostics Criteria. Collection method: clinical testing. Allele origin: unknown.
Comment: This variant is expected to result in the loss of a functional protein. A similar variant has been identified in at least one individual with clinical features associated with this gene. Similar variants have not been reported in large, multi-ethnic general populations.

Literature cited by the submitters: PubMed 27423575.